The following is an entry in ClinVar:

ClinVar aggregate classification (germline): Likely benign (1 of 4 stars; one submission).

Submission:

CeGaT Center for Human Genetics Tuebingen
Classification: Likely benign. Last evaluated: 2025-10-01. Review status: criteria provided, single submitter. Criteria: CeGaT Center For Human Genetics Tuebingen Variant Classification Criteria Version 2. Collection method: clinical testing. Allele origin: germline. Affected: yes. Observed: 3 variant alleles.
Comment: PRAMEF11: BP4, BP7

NM_001146344.3(PRAMEF11):c.120A>C (p.Pro40=)

Gene: PRAMEF11 (PRAME family member 11; minus strand). Cytogenetic location: 1p36.21.
Variant type: single nucleotide variant.
Coding change: c.120A>C on transcript NM_001146344.3 (MANE Select); coding-DNA position 120, A replaced by C.
Protein change: p.Pro40=; no amino-acid change (proline 40 retained).
Molecular consequence: synonymous variant.
Genome position (GRCh38, 1-based): chr1:12,828,670, T>G on the plus strand (A>C on the coding strand, the complement: PRAMEF11 is on the minus strand). VCF-style: chr1-12828670-T-G. GRCh37 (hg19) VCF-style: chr1-12888530-T-G.
Identifiers: ClinVar variation 2638263 (VCV002638263.24), dbSNP rs748236916, ClinGen allele CA887939978.